The following is an entry in ClinVar:

NM_001083116.3(PRF1):c.1097_1098del (p.Gln366fs)

Gene: PRF1 (perforin 1; minus strand). Cytogenetic location: 10q22.1.
Variant type: Deletion.
Coding change: c.1097_1098del on transcript NM_001083116.3 (MANE Select); coding-DNA positions 1097 to 1098, 2 bases deleted (AG; older notation c.1097_1098delAG).
Protein change: p.Gln366fs; shifts the reading frame from glutamine 366.
Molecular consequence: frameshift variant.
Genome position (GRCh38, 1-based): chr10:70,598,623-70,598,624, CT deleted on the plus strand (AG on the coding strand, the reverse complement: PRF1 is on the minus strand). VCF-style (leftmost placement, unchanged base first): chr10-70598622-ACT-A. GRCh37 (hg19) VCF-style: chr10-72358378-ACT-A.
Other names: c.1097_1098del, p.Gln366fs (NM_005041.6); short protein forms Q366fs.
Identifiers: ClinVar variation 5004889 (VCV005004889.1).

ClinVar aggregate classification (germline): Pathogenic (1 of 4 stars; one submission).

Conditions:
Familial hemophagocytic lymphohistiocytosis 2 (FHL2). Also called: PRF1-Related Familial Hemophagocytic Lymphohistiocytosis (PRF1-fHLH). Identifiers: Orphanet 540, MedGen C1863727, MONDO:0011337, OMIM 603553.

Submission:

Myriad Genetics, Inc.
Classification: Pathogenic for Familial hemophagocytic lymphohistiocytosis 2. Last evaluated: 2026-09-04. Review status: criteria provided, single submitter. Criteria: Myriad Autosomal Dominant, Autosomal Recessive and X-Linked Classification Criteria (2023). Collection method: clinical testing. Allele origin: unknown.
Comment: NM_001083116.1(PRF1):c.1097_1098delAG(Q366Lfs*91) is a frameshift variant classified as pathogenic in the context of familial hemophagocytic lymphohistiocytosis, PRF1-related. Q366Lfs*91 has not been observed in cases with relevant disease. Relevant functional assessments of this variant are not available in the literature. Q366Lfs*91 has not been observed in referenced population frequency databases. In summary, NM_001083116.1(PRF1):c.1097_1098delAG(Q366Lfs*91) is a frameshift variant in a gene where loss of function is a known mechanism of disease and is predicted to disrupt protein function. Please note: this variant was assessed in the context of healthy population screening.